The following is an entry in ClinVar:

ClinVar aggregate classification (germline): Benign. Review status: criteria provided, multiple submitters, no conflicts (2 of 4 stars). 5 submissions from 5 submitters: Benign (5). Last evaluated 2026-01-26.

Submissions (5):

Labcorp Genetics (formerly Invitae), Labcorp
Classification: Benign. Last evaluated: 2026-01-26. Review status: criteria provided, single submitter. Criteria: Invitae Variant Classification Sherloc (09022015). Collection method: clinical testing. Allele origin: germline.

CeGaT Center for Human Genetics Tuebingen
Classification: Benign. Last evaluated: 2026-01-01. Review status: criteria provided, single submitter. Criteria: CeGaT Center For Human Genetics Tuebingen Variant Classification Criteria Version 2. Collection method: clinical testing. Allele origin: germline. Affected: yes. Observed: 1 variant allele.
Comment: TMIE: BS1, BS2

GeneDx
Classification: Benign. Last evaluated: 2019-09-13. Review status: criteria provided, single submitter. Criteria: GeneDx Variant Classification Process June 2021. Collection method: clinical testing. Allele origin: germline. Affected: yes.

Laboratory for Molecular Medicine, Mass General Brigham Personalized Medicine
Classification: Benign. Last evaluated: 2013-10-11. Review status: criteria provided, single submitter. Criteria: LMM Criteria. Collection method: clinical testing. Allele origin: germline. Observed: 8 variant alleles.
Comment: Lys131_Asp132insLys in Exon 4 of TMIE: This variant is not expected to have clin ical significance because it results in the an insertion of a Lys residue in a p oly-Lysine tract.

PreventionGenetics, part of Exact Sciences
Classification: Benign. Review status: criteria provided, single submitter. Criteria: ACMG Guidelines, 2015. Collection method: clinical testing. Allele origin: germline.

NM_147196.3(TMIE):c.367AAG[10] (p.Lys131dup)

Gene: TMIE (transmembrane inner ear; plus strand). Cytogenetic location: 3p21.31.
Variant type: Microsatellite.
Coding change: c.367AAG[10] on transcript NM_147196.3 (MANE Select); ten copies in a row of the 3-base unit AAG starting at c.367; the reference has nine copies in a row; one copy, 3 bases duplicated.
Protein change: p.Lys131dup; duplicates lysine 131.
Molecular consequence: inframe insertion.
Genome position (GRCh38, 1-based): chr3:46,709,608-46,709,610, AAG duplicated; duplicating any 3 consecutive bases within chr3:46,709,584-46,709,610 gives the same sequence; the position shown is the placement nearest the transcript's 3' end. VCF-style (leftmost placement, unchanged base first): chr3-46709583-T-TAAG. GRCh37 (hg19) VCF-style: chr3-46751073-T-TAAG.
Other names: c.391_393dupAAG (NM_147196.2); c.208AAG[10], p.Lys78dup (NM_001370524.1, NM_001370525.1).
Identifiers: ClinVar variation 179307 (VCV000179307.23), dbSNP rs10578999, ClinGen allele CA184168.